The following is an entry in ClinVar:

ClinVar aggregate classification (germline): Uncertain significance. Review status: criteria provided, multiple submitters, no conflicts (2 of 4 stars). 3 submissions from 3 submitters: Uncertain significance (3). Last evaluated 2025-07-07.

Conditions:
Cardiomyopathy (CMYO). Also called: Cardiomyopathies. Identifiers: Orphanet 167848, MedGen C0878544, MONDO:0004994, HP:0001638. Inheritance: Various modes of inheritance.
Cardiovascular phenotype. Identifiers: MedGen CN230736.

Allele frequency attached by ClinVar (database versions not stated): TOPMed below 0.00001.

Submissions (3):

Color Diagnostics, LLC DBA Color Health
Classification: Uncertain significance for Cardiomyopathy. Last evaluated: 2025-07-07. Review status: criteria provided, single submitter. Criteria: ACMG Guidelines, 2015. Collection method: clinical testing. Allele origin: germline.
Comment: This missense variant replaces aspartic acid with asparagine at codon 2157 of the DSP protein. Computational prediction suggests that this variant may not impact protein structure and function. To our knowledge, functional studies have not been reported for this variant. This variant has not been reported in individuals affected with DSP-related disorders in the literature. This variant has not been identified in the general population by the Genome Aggregation Database (gnomAD). The available evidence is insufficient to determine the role of this variant in disease conclusively. Therefore, this variant is classified as a Variant of Uncertain Significance.

Ambry Genetics
Classification: Uncertain significance for Cardiovascular phenotype. Last evaluated: 2023-12-25. Review status: criteria provided, single submitter. Criteria: Ambry Variant Classification Scheme 2023. Collection method: clinical testing. Allele origin: germline.
Comment: The p.D2157N variant (also known as c.6469G>A), located in coding exon 24 of the DSP gene, results from a G to A substitution at nucleotide position 6469. The aspartic acid at codon 2157 is replaced by asparagine, an amino acid with highly similar properties. This amino acid position is conserved. In addition, this alteration is predicted to be tolerated by in silico analysis. Since supporting evidence is limited at this time, the clinical significance of this alteration remains unclear.

GeneDx
Classification: Uncertain significance. Last evaluated: 2023-06-01. Review status: criteria provided, single submitter. Criteria: GeneDx Variant Classification Process June 2021. Collection method: clinical testing. Allele origin: germline. Affected: yes.
Comment: Has not been previously published as pathogenic or benign to our knowledge; Not observed at significant frequency in large population cohorts (gnomAD); In silico analysis supports that this missense variant does not alter protein structure/function

NM_004415.4(DSP):c.6469G>A (p.Asp2157Asn)

Gene: DSP (desmoplakin; plus strand). Cytogenetic location: 6p24.3.
Variant type: single nucleotide variant.
Coding change: c.6469G>A on transcript NM_004415.4 (MANE Select); coding-DNA position 6469, G replaced by A.
Protein change: p.Asp2157Asn; replaces aspartic acid 2157 with asparagine.
Molecular consequence: missense variant.
Genome position (GRCh38, 1-based): chr6:7,583,731, G>A. VCF-style: chr6-7583731-G-A. GRCh37 (hg19) VCF-style: chr6-7583964-G-A.
Other names: c.4672G>A, p.Asp1558Asn (NM_001008844.3); c.5140G>A, p.Asp1714Asn (NM_001319034.2); short protein forms D1558N, D1714N, D2157N.
Identifiers: ClinVar variation 3224242 (VCV003224242.3), dbSNP rs1759534647, ClinGen allele CA362690857.
Genomic context (GRCh38, chr6:7,583,731, plus strand): 5'-CCTGTGAACAGTGTCTTTTTGCCAAAAGATGTCGCCTTGGCCCGGGGGCTGATTGATAGA[G>A]ATTTGTATCGATCCCTGAATGATCCCCGAGATAGTCAGAAAAACTTTGTGGATCCAGTCA-3'
Protein context (NP_004406.2, residues 2147-2167): VALARGLIDR[Asp2157Asn]LYRSLNDPRD